The following is an entry in ClinVar:

ClinVar aggregate classification (germline): Benign (1 of 4 stars; one submission).

Allele frequency attached by ClinVar (database versions not stated): ExAC 0.00025; TOPMed 0.00039; gnomAD 0.00042; ESP Exome Variant Server 0.00062.
gnomAD v4.1: 1,016 of 1,614,056 alleles (0.063%); highest among the groups gnomAD compares: Non-Finnish European, 0.074%; 2 homozygotes.

Submission:

CeGaT Center for Human Genetics Tuebingen
Classification: Benign. Last evaluated: 2026-09-01. Review status: criteria provided, single submitter. Criteria: CeGaT Center For Human Genetics Tuebingen Variant Classification Criteria Version 2. Collection method: clinical testing. Allele origin: germline. Affected: yes. Observed: 3 variant alleles.
Comment: SRRM2: BP4, BS1, BS2

NM_016333.4(SRRM2):c.2220A>C (p.Arg740Ser)

Gene: SRRM2 (serine/arginine repetitive matrix 2; plus strand). Cytogenetic location: 16p13.3.
Variant type: single nucleotide variant.
Coding change: c.2220A>C on transcript NM_016333.4 (MANE Select); coding-DNA position 2220, A replaced by C.
Protein change: p.Arg740Ser; replaces arginine 740 with serine.
Molecular consequence: missense variant.
Genome position (GRCh38, 1-based): chr16:2,762,748, A>C. VCF-style: chr16-2762748-A-C. GRCh37 (hg19) VCF-style: chr16-2812749-A-C.
Other names: short protein forms R740S.
Identifiers: ClinVar variation 3025341 (VCV003025341.22), dbSNP rs150436880, ClinGen allele CA7847530.